The following is an entry in ClinVar:

NM_000953.3(PTGDR):c.828G>A (p.Met276Ile)

Gene: PTGDR (prostaglandin D2 receptor; plus strand). Cytogenetic location: 14q22.1.
Variant type: single nucleotide variant.
Coding change: c.828G>A on transcript NM_000953.3 (MANE Select); coding-DNA position 828, G replaced by A.
Protein change: p.Met276Ile; replaces methionine 276 with isoleucine.
Molecular consequence: missense variant.
Genome position (GRCh38, 1-based): chr14:52,268,642, G>A. VCF-style: chr14-52268642-G-A. GRCh37 (hg19) VCF-style: chr14-52735360-G-A.
Other names: c.828G>A, p.Met276Ile (NM_001281469.2); short protein forms M276I.
Identifiers: ClinVar variation 3067789 (VCV003067789.21), dbSNP rs755199226, ClinGen allele CA389712528.

ClinVar aggregate classification (germline): Uncertain significance (1 of 4 stars; one submission).

Submission:

CeGaT Center for Human Genetics Tuebingen
Classification: Uncertain significance. Last evaluated: 2024-03-01. Review status: criteria provided, single submitter. Criteria: CeGaT Center For Human Genetics Tuebingen Variant Classification Criteria Version 2. Collection method: clinical testing. Allele origin: germline. Affected: yes. Observed: 1 variant allele.
Comment: PTGDR: PM2, BP4